The following is an entry in ClinVar:

NM_019842.4(KCNQ5):c.563A>G (p.Tyr188Cys)

Gene: KCNQ5 (potassium voltage-gated channel subfamily Q member 5; plus strand). Cytogenetic location: 6q13.
Variant type: single nucleotide variant.
Coding change: c.563A>G on transcript NM_019842.4 (MANE Select); coding-DNA position 563, A replaced by G.
Protein change: p.Tyr188Cys; replaces tyrosine 188 with cysteine.
Molecular consequence: missense variant.
Genome position (GRCh38, 1-based): chr6:73,042,009, A>G. VCF-style: chr6-73042009-A-G. GRCh37 (hg19) VCF-style: chr6-73751732-A-G.
Other names: c.563A>G, p.Tyr188Cys (NM_001160130.2, NM_001160132.2, NM_001160133.2 and 1 more transcripts); short protein forms Y188C.
Identifiers: ClinVar variation 3774872 (VCV003774872.1).
Genomic context (GRCh38, chr6:73,042,009, plus strand): 5'-TTGTCGTCTTTGGTTTGGAGTTCATCATTCGAATCTGGTCTGCGGGTTGCTGTTGTCGAT[A>G]TAGAGGATGGCAAGGAAGACTGAGGTTTGCTCGAAAGCCCTTCTGTGTTATAGGTGAATA-3'
Protein context (NP_062816.2, residues 178-198): RIWSAGCCCR[Tyr188Cys]RGWQGRLRFA

ClinVar aggregate classification (germline): Uncertain significance (1 of 4 stars; one submission).

Submission:

GeneDx
Classification: Uncertain significance. Last evaluated: 2024-09-29. Review status: criteria provided, single submitter. Criteria: GeneDx Variant Classification Process June 2021. Collection method: clinical testing. Allele origin: germline. Affected: yes.
Comment: Not observed at significant frequency in large population cohorts (gnomAD); In silico analysis supports that this missense variant has a deleterious effect on protein structure/function; Has not been previously published as pathogenic or benign to our knowledge